The following is an entry in ClinVar:

NM_001371623.1(TCOF1):c.630A>G (p.Thr210=)

Gene: TCOF1 (treacle ribosome biogenesis factor 1; plus strand). Cytogenetic location: 5q32.
Variant type: single nucleotide variant.
Coding change: c.630A>G on transcript NM_001371623.1 (MANE Select); coding-DNA position 630, A replaced by G.
Protein change: p.Thr210=; no amino-acid change (threonine 210 retained).
Molecular consequence: synonymous variant.
Genome position (GRCh38, 1-based): chr5:150,369,593, A>G. VCF-style: chr5-150369593-A-G. GRCh37 (hg19) VCF-style: chr5-149749156-A-G.
Other names: c.630A>G, p.Thr210= (NM_000356.4, NM_001008657.3, NM_001135243.2 and 3 more transcripts).
Identifiers: ClinVar variation 772416 (VCV000772416.13), dbSNP rs765654624, ClinGen allele CA3510614.

ClinVar aggregate classification (germline): Benign/Likely benign. Review status: criteria provided, multiple submitters, no conflicts (2 of 4 stars). 4 submissions from 4 submitters: Benign (2); Likely benign (1). 1 of the submissions does not count toward it. Last evaluated 2026-01-03.

Conditions:
Treacher Collins syndrome 1 (TCS1). Also called: TCOF1-Related Treacher Collins Syndrome. Identifiers: Orphanet 861, MedGen CN315775, MONDO:0007944, OMIM 154500.
TCOF1-related disorder. Also called: TCOF1-related condition.

Allele frequency attached by ClinVar (database versions not stated): gnomAD 0.00005; gnomAD exomes 0.00008 and 0.00043; TOPMed 0.00020; ExAC 0.00036.
gnomAD v4.1: 123 of 1,614,032 alleles (0.0076%); highest among the groups gnomAD compares: Admixed American, 0.2%; 2 homozygotes.

Submissions (4):

Labcorp Genetics (formerly Invitae), Labcorp
Classification: Benign for Treacher Collins syndrome 1. Last evaluated: 2026-01-03. Review status: criteria provided, single submitter. Criteria: Invitae Variant Classification Sherloc (09022015). Collection method: clinical testing. Allele origin: germline.

Blueprint Genetics
Classification: Likely benign. Last evaluated: 2022-02-08. Review status: criteria provided, single submitter. Criteria: ACMG Guidelines, 2015. Collection method: clinical testing. Allele origin: germline.

GeneDx
Classification: Benign. Last evaluated: 2020-01-29. Review status: criteria provided, single submitter. Criteria: GeneDx Variant Classification Process June 2021. Collection method: clinical testing. Allele origin: germline. Affected: yes.

PreventionGenetics, part of Exact Sciences
Classification: Likely benign for TCOF1-related condition. Last evaluated: 2019-04-09. Review status: no assertion criteria provided. Collection method: clinical testing. Allele origin: germline. Not counted in ClinVar's aggregate classification.
Comment: This variant is classified as likely benign based on ACMG/AMP sequence variant interpretation guidelines (Richards et al. 2015 PMID: 25741868, with internal and published modifications).